The following is an entry in ClinVar:

ClinVar aggregate classification (germline): Uncertain significance. Review status: criteria provided, multiple submitters, no conflicts (2 of 4 stars). 4 submissions from 4 submitters: Uncertain significance (4). Last evaluated 2025-10-01.

Conditions:
Inborn genetic diseases. Identifiers: MedGen C0950123, MeSH D030342.

Allele frequency attached by ClinVar (database versions not stated): ExAC 0.00005; gnomAD 0.00005; gnomAD exomes 0.00005; TOPMed 0.00005; ESP Exome Variant Server 0.00008.
gnomAD v4.1: 103 of 1,606,406 alleles (0.0064%); highest among the groups gnomAD compares: Non-Finnish European, 0.0071%; no homozygotes.

Submissions (4):

GeneDx
Classification: Uncertain significance. Last evaluated: 2025-10-01. Review status: criteria provided, single submitter. Criteria: GeneDx Variant Classification Process June 2021. Collection method: clinical testing. Allele origin: germline.
Comment: In silico analysis suggests that this missense variant does not alter protein structure/function; Has not been previously published as pathogenic or benign to our knowledge

Ambry Genetics
Classification: Uncertain significance for Inborn genetic diseases. Last evaluated: 2025-08-12. Review status: criteria provided, single submitter. Criteria: Ambry Variant Classification Scheme 2023. Collection method: clinical testing. Allele origin: germline.

Labcorp Genetics (formerly Invitae), Labcorp
Classification: Uncertain significance. Last evaluated: 2025-03-17. Review status: criteria provided, single submitter. Criteria: Invitae Variant Classification Sherloc (09022015). Collection method: clinical testing. Allele origin: germline.
Comment: This sequence change replaces isoleucine, which is neutral and non-polar, with valine, which is neutral and non-polar, at codon 2008 of the ITPR1 protein (p.Ile2008Val). This variant is present in population databases (rs367644690, gnomAD 0.007%). This variant has not been reported in the literature in individuals affected with ITPR1-related conditions. ClinVar contains an entry for this variant (Variation ID: 2560328). Invitae Evidence Modeling of protein sequence and biophysical properties (such as structural, functional, and spatial information, amino acid conservation, physicochemical variation, residue mobility, and thermodynamic stability) has been performed for this missense variant. However, the output from this modeling did not meet the statistical confidence thresholds required to predict the impact of this variant on ITPR1 protein function. In summary, the available evidence is currently insufficient to determine the role of this variant in disease. Therefore, it has been classified as a Variant of Uncertain Significance.

Athena Diagnostics
Classification: Uncertain significance. Last evaluated: 2025-02-04. Review status: criteria provided, single submitter. Criteria: Athena Diagnostics Criteria. Collection method: clinical testing. Allele origin: unknown.
Comment: Available data are insufficient to determine the clinical significance of the variant at this time. The frequency of this variant in the general population is uninformative in assessment of its pathogenicity. Polyphen and MutationTaster yielded discordant predictions regarding whether this amino acid change is damaging to the protein.

NM_001378452.1(ITPR1):c.6211A>G (p.Ile2071Val)

Gene: ITPR1 (inositol 1,4,5-trisphosphate receptor type 1; plus strand). Cytogenetic location: 3p26.1.
Variant type: single nucleotide variant.
Coding change: c.6211A>G on transcript NM_001378452.1 (MANE Select); coding-DNA position 6211, A replaced by G.
Protein change: p.Ile2071Val; replaces isoleucine 2071 with valine.
Molecular consequence: missense variant.
Genome position (GRCh38, 1-based): chr3:4,777,294, A>G. VCF-style: chr3-4777294-A-G. GRCh37 (hg19) VCF-style: chr3-4818978-A-G.
Other names: c.6067A>G, p.Ile2023Val (NM_001099952.4); c.6166A>G, p.Ile2056Val (NM_001168272.2); c.6022A>G, p.Ile2008Val (NM_002222.7); c.6166A>G (NM_001168272.1); short protein forms I2008V, I2056V, I2023V, I2071V.
Identifiers: ClinVar variation 2560328 (VCV002560328.9), dbSNP rs367644690, ClinGen allele CA2232539.